The following is an entry in ClinVar:

NM_018706.7(DHTKD1):c.1129G>A (p.Gly377Arg)

Gene: DHTKD1 (dehydrogenase E1 and transketolase domain containing 1; plus strand). Cytogenetic location: 10p14.
Variant type: single nucleotide variant.
Coding change: c.1129G>A on transcript NM_018706.7 (MANE Select); coding-DNA position 1129, G replaced by A.
Protein change: p.Gly377Arg; replaces glycine 377 with arginine.
Molecular consequence: missense variant.
Genome position (GRCh38, 1-based): chr10:12,091,654, G>A. VCF-style: chr10-12091654-G-A. GRCh37 (hg19) VCF-style: chr10-12133653-G-A.
Other names: short protein forms G377R.
Identifiers: ClinVar variation 3675037 (VCV003675037.2).

ClinVar aggregate classification (germline): Uncertain significance (1 of 4 stars; one submission).

Conditions:
2-aminoadipic 2-oxoadipic aciduria (AAKAD). Also called: Aminoadipic aciduria; ALPHA-AMINOADIPIC AND ALPHA-KETOADIPIC ACIDURIA. Identifiers: Orphanet 79154, MedGen C1859817, MONDO:0008774, OMIM 204750.

Submission:

Labcorp Genetics (formerly Invitae), Labcorp
Classification: Uncertain significance for 2-aminoadipic 2-oxoadipic aciduria. Last evaluated: 2024-03-12. Review status: criteria provided, single submitter. Criteria: Invitae Variant Classification Sherloc (09022015). Collection method: clinical testing. Allele origin: germline.
Comment: This sequence change replaces glycine, which is neutral and non-polar, with arginine, which is basic and polar, at codon 377 of the DHTKD1 protein (p.Gly377Arg). This variant is not present in population databases (gnomAD no frequency). This variant has not been reported in the literature in individuals affected with DHTKD1-related conditions. Advanced modeling of protein sequence and biophysical properties (such as structural, functional, and spatial information, amino acid conservation, physicochemical variation, residue mobility, and thermodynamic stability) performed at Invitae indicates that this missense variant is expected to disrupt DHTKD1 protein function with a positive predictive value of 80%. In summary, the available evidence is currently insufficient to determine the role of this variant in disease. Therefore, it has been classified as a Variant of Uncertain Significance.